The following is an entry in ClinVar:

ClinVar aggregate classification (germline): Uncertain significance. Review status: criteria provided, multiple submitters, no conflicts (2 of 4 stars). 3 submissions from 3 submitters: Uncertain significance (3). Last evaluated 2023-04-19.

Conditions:
Spermatogenic failure 18. Identifiers: MedGen C4539783, MONDO:0054615, OMIM 617576.
Ciliary dyskinesia, primary, 37 (CILD37). Also called: CILIARY DYSKINESIA, PRIMARY, 37, WITH OR WITHOUT SITUS INVERSUS. Identifiers: MedGen C4539798, MONDO:0033204, OMIM 617577.
Primary ciliary dyskinesia. Also called: Ciliary dyskinesia. Identifiers: Orphanet 244, MedGen C0008780, MONDO:0016575, HP:0012265.

Allele frequency attached by ClinVar (database versions not stated): ExAC 0.00002; gnomAD 0.00002 and 0.00003; gnomAD exomes 0.00002; TOPMed 0.00005.
gnomAD v4.1: 37 of 1,613,588 alleles (0.0023%); highest among the groups gnomAD compares: Admixed American, 0.005%; no homozygotes.

Submissions (3):

Blueprint Genetics
Classification: Uncertain significance. Last evaluated: 2023-04-19. Review status: criteria provided, single submitter. Criteria: ACMG Guidelines, 2015. Collection method: clinical testing. Allele origin: germline.

Labcorp Genetics (formerly Invitae), Labcorp
Classification: Uncertain significance for Ciliary dyskinesia, primary, 37; Spermatogenic failure 18. Last evaluated: 2021-09-01. Review status: criteria provided, single submitter. Criteria: Invitae Variant Classification Sherloc (09022015). Collection method: clinical testing. Allele origin: germline.
Comment: This sequence change replaces valine with alanine at codon 26 of the DNAH1 protein (p.Val26Ala). The valine residue is weakly conserved and there is a small physicochemical difference between valine and alanine. This variant is present in population databases (rs772550201, ExAC 0.005%). This variant has not been reported in the literature in individuals affected with DNAH1-related conditions. Algorithms developed to predict the effect of missense changes on protein structure and function output the following: SIFT: "Tolerated"; PolyPhen-2: "Benign"; Align-GVGD: "Class C0". The alanine amino acid residue is found in multiple mammalian species, which suggests that this missense change does not adversely affect protein function. In summary, the available evidence is currently insufficient to determine the role of this variant in disease. Therefore, it has been classified as a Variant of Uncertain Significance.

UNC Molecular Genetics  Laboratory, University of North Carolina at Chapel Hill
Classification: Uncertain significance for Primary ciliary dyskinesia. Last evaluated: 2019-02-28. Review status: criteria provided, single submitter. Criteria: ACMG Guidelines, 2015. Collection method: clinical testing. Allele origin: germline. Observed: 1 heterozygote.

NM_015512.5(DNAH1):c.77T>C (p.Val26Ala)

Gene: DNAH1 (dynein axonemal heavy chain 1; plus strand). Cytogenetic location: 3p21.1.
Variant type: single nucleotide variant.
Coding change: c.77T>C on transcript NM_015512.5 (MANE Select); coding-DNA position 77, T replaced by C.
Protein change: p.Val26Ala; replaces valine 26 with alanine.
Molecular consequence: missense variant.
Genome position (GRCh38, 1-based): chr3:52,322,519, T>C. VCF-style: chr3-52322519-T-C. GRCh37 (hg19) VCF-style: chr3-52356535-T-C.
Other names: short protein forms V26A.
Identifiers: ClinVar variation 857646 (VCV000857646.7), dbSNP rs772550201, ClinGen allele CA2432555.